The following is an entry in ClinVar:

NM_015015.3(KDM4B):c.30C>T (p.Asn10=)

Gene: KDM4B (lysine demethylase 4B; plus strand). Cytogenetic location: 19p13.3.
Variant type: single nucleotide variant.
Coding change: c.30C>T on transcript NM_015015.3 (MANE Select); coding-DNA position 30, C replaced by T.
Protein change: p.Asn10=; no amino-acid change (asparagine 10 retained).
Molecular consequence: synonymous variant.
Genome position (GRCh38, 1-based): chr19:5,032,920, C>T. VCF-style: chr19-5032920-C-T. GRCh37 (hg19) VCF-style: chr19-5032931-C-T.
Other names: c.30C>T, p.Asn10= (NM_001370093.1, NM_001370094.1, NM_001411148.1).
Identifiers: ClinVar variation 4823098 (VCV004823098.4).

ClinVar aggregate classification (germline): Likely benign (1 of 4 stars; one submission).

gnomAD v4.1: 1 of 1,614,172 alleles (0.000062%); highest among the groups gnomAD compares: South Asian, 0.0011%; no homozygotes.

Submission:

CeGaT Center for Human Genetics Tuebingen
Classification: Likely benign. Last evaluated: 2026-01-01. Review status: criteria provided, single submitter. Criteria: CeGaT Center For Human Genetics Tuebingen Variant Classification Criteria Version 2. Collection method: clinical testing. Allele origin: germline. Affected: yes. Observed: 1 variant allele.
Comment: KDM4B: BP4, BP7